The following is an entry in ClinVar:

NM_000834.5(GRIN2B):c.2011-197T>C

Gene: GRIN2B (glutamate ionotropic receptor NMDA type subunit 2B; minus strand). Cytogenetic location: 12p13.1.
Variant type: single nucleotide variant.
Coding change: c.2011-197T>C on transcript NM_000834.5 (MANE Select); 197 bases into the intron before coding-DNA position 2011, T replaced by C.
Molecular consequence: intron variant.
Genome position (GRCh38, 1-based): chr12:13,572,161, A>G on the plus strand (T>C on the coding strand, the complement: GRIN2B is on the minus strand). VCF-style: chr12-13572161-A-G. GRCh37 (hg19) VCF-style: chr12-13725095-A-G.
Identifiers: ClinVar variation 681809 (VCV000681809.1), dbSNP rs74538624, ClinGen allele CA233137672.

ClinVar aggregate classification (germline): Likely benign (1 of 4 stars; one submission).

Allele frequency attached by ClinVar (database versions not stated): 1000 Genomes Project 0.02815; 1000 Genomes Project 30x 0.02842; gnomAD 0.03019 and 0.03112; TOPMed 0.03047.
gnomAD v4.1: 4,783 of 152,332 alleles (3.1%); highest among the groups gnomAD compares: South Asian, 7%; 79 homozygotes.

Submission:

GeneDx
Classification: Likely benign. Last evaluated: 2018-06-14. Review status: criteria provided, single submitter. Criteria: GeneDx Variant Classification (06012015). Collection method: clinical testing. Allele origin: germline. Affected: yes.
Comment: This variant is considered likely benign or benign based on one or more of the following criteria: it is a conservative change, it occurs at a poorly conserved position in the protein, it is predicted to be benign by multiple in silico algorithms, and/or has population frequency not consistent with disease.